The following is an entry in ClinVar:

ClinVar aggregate classification (germline): Benign/Likely benign. Review status: criteria provided, multiple submitters, no conflicts (2 of 4 stars). 5 submissions from 5 submitters: Benign (1); Likely benign (4). Last evaluated 2026-07-08.

Conditions:
LOXHD1-related disorder. Also called: LOXHD1-related condition.

Allele frequency attached by ClinVar (database versions not stated): gnomAD exomes 0.00011 and 0.00050; gnomAD 0.00024 and 0.00034; TOPMed 0.00038; ExAC 0.00046; 1000 Genomes Project 30x 0.00187; 1000 Genomes Project 0.00240.
gnomAD v4.1: 222 of 1,544,200 alleles (0.014%); highest among the groups gnomAD compares: East Asian, 0.3%; no homozygotes.

Submissions (5):

PreventionGenetics, part of Exact Sciences
Classification: Likely benign for LOXHD1-related condition. Last evaluated: 2026-07-08. Review status: criteria provided, single submitter. Criteria: ACMG Guidelines, 2015. Collection method: clinical testing. Allele origin: germline.
Comment: This variant is classified as likely benign based on ACMG/AMP sequence variant interpretation guidelines (Richards et al. 2015 PMID: 25741868, with internal and published modifications).

Labcorp Genetics (formerly Invitae), Labcorp
Classification: Benign. Last evaluated: 2026-01-28. Review status: criteria provided, single submitter. Criteria: Invitae Variant Classification Sherloc (09022015). Collection method: clinical testing. Allele origin: germline.

CeGaT Center for Human Genetics Tuebingen
Classification: Likely benign. Last evaluated: 2025-07-01. Review status: criteria provided, single submitter. Criteria: CeGaT Center For Human Genetics Tuebingen Variant Classification Criteria Version 2. Collection method: clinical testing. Allele origin: germline. Affected: yes. Observed: 1 variant allele.
Comment: LOXHD1: BP4, BP7

Blueprint Genetics
Classification: Likely benign. Last evaluated: 2024-11-07. Review status: criteria provided, single submitter. Criteria: ACMG Guidelines, 2015. Collection method: clinical testing. Allele origin: germline.

Laboratory for Molecular Medicine, Mass General Brigham Personalized Medicine
Classification: Likely benign. Last evaluated: 2015-08-12. Review status: criteria provided, single submitter. Criteria: LMM Criteria. Collection method: clinical testing. Allele origin: germline. Observed: 1 variant allele.
Comment: p.Ala860Ala in exon 18 of LOXHD1: This variant is not expected to have clinical significance because it does not alter an amino acid residue, is not located wit hin the splice consensus sequence, and has been identified in 1.2% (8/624) of Ea st Asian chromosomes by the Exome Aggregation Consortium (ExAC; dbSNP rs118140267).

NM_001384474.1(LOXHD1):c.2580G>A (p.Ala860=)

Gene: LOXHD1 (lipoxygenase homology PLAT domains 1; minus strand). Cytogenetic location: 18q21.1.
Variant type: single nucleotide variant.
Coding change: c.2580G>A on transcript NM_001384474.1 (MANE Select); coding-DNA position 2580, G replaced by A.
Protein change: p.Ala860=; no amino-acid change (alanine 860 retained).
Molecular consequence: synonymous variant.
Genome position (GRCh38, 1-based): chr18:46,563,083, C>T on the plus strand (G>A on the coding strand, the complement: LOXHD1 is on the minus strand). VCF-style: chr18-46563083-C-T. GRCh37 (hg19) VCF-style: chr18-44143046-C-T.
Other names: c.2580G>A, p.Ala860= (NM_144612.7).
Identifiers: ClinVar variation 227513 (VCV000227513.25), dbSNP rs118140267, ClinGen allele CA8952659.
Genomic context (GRCh38, chr18:46,563,083, plus strand): 5'-CTGAGCCTGCTGTTGGCACCCCCGCTCCTCGACCCCACATACCTGGAATGTGTCCTTGGA[C>T]GCCCGTTCAAAAACTTTTGAGCGGCTGGAGAGGAAGAGCACTTCTGTCTTGCCTTTCTCT-3'
Protein context (NP_001371403.1, residues 850-870): LSSRSKVFER[Ala860=]SKDTFQLEAA